The following is an entry in ClinVar:

ClinVar aggregate classification (germline): Uncertain significance (1 of 4 stars; one submission).

Submission:

Labcorp Genetics (formerly Invitae), Labcorp
Classification: Uncertain significance. Last evaluated: 2024-03-12. Review status: criteria provided, single submitter. Criteria: Invitae Variant Classification Sherloc (09022015). Collection method: clinical testing. Allele origin: germline.
Comment: This sequence change replaces lysine, which is basic and polar, with asparagine, which is neutral and polar, at codon 2223 of the POLE protein (p.Lys2223Asn). This variant is not present in population databases (gnomAD no frequency). This variant has not been reported in the literature in individuals affected with POLE-related conditions. Advanced modeling of protein sequence and biophysical properties (such as structural, functional, and spatial information, amino acid conservation, physicochemical variation, residue mobility, and thermodynamic stability) performed at Invitae indicates that this missense variant is not expected to disrupt POLE protein function with a negative predictive value of 80%. In summary, the available evidence is currently insufficient to determine the role of this variant in disease. Therefore, it has been classified as a Variant of Uncertain Significance.

NM_006231.4(POLE):c.6669G>C (p.Lys2223Asn)

Gene: POLE (DNA polymerase epsilon, catalytic subunit; minus strand). Cytogenetic location: 12q24.33.
Variant type: single nucleotide variant.
Coding change: c.6669G>C on transcript NM_006231.4 (MANE Select); coding-DNA position 6669, G replaced by C.
Protein change: p.Lys2223Asn; replaces lysine 2223 with asparagine.
Molecular consequence: missense variant.
Genome position (GRCh38, 1-based): chr12:132,624,983, C>G on the plus strand (G>C on the coding strand, the complement: POLE is on the minus strand). VCF-style: chr12-132624983-C-G. GRCh37 (hg19) VCF-style: chr12-133201569-C-G.
Other names: short protein forms K2223N.
Identifiers: ClinVar variation 3645430 (VCV003645430.2).